The following is an entry in ClinVar:

ClinVar aggregate classification (germline): Uncertain significance (1 of 4 stars; one submission).

Allele frequency attached by ClinVar (database versions not stated): gnomAD exomes below 0.00001; gnomAD 0.00001.
gnomAD v4.1: 2 of 1,614,064 alleles (0.00012%); highest among the groups gnomAD compares: South Asian, 0.0011%; no homozygotes.

Submission:

Labcorp Genetics (formerly Invitae), Labcorp
Classification: Uncertain significance. Last evaluated: 2022-07-03. Review status: criteria provided, single submitter. Criteria: Invitae Variant Classification Sherloc (09022015). Collection method: clinical testing. Allele origin: germline.
Comment: In summary, the available evidence is currently insufficient to determine the role of this variant in disease. Therefore, it has been classified as a Variant of Uncertain Significance. Algorithms developed to predict the effect of missense changes on protein structure and function (SIFT, PolyPhen-2, Align-GVGD) all suggest that this variant is likely to be tolerated. This variant has not been reported in the literature in individuals affected with LAMA1-related conditions. This variant is not present in population databases (gnomAD no frequency). This sequence change replaces glutamic acid, which is acidic and polar, with lysine, which is basic and polar, at codon 750 of the LAMA1 protein (p.Glu750Lys).

NM_005559.4(LAMA1):c.2248G>A (p.Glu750Lys)

Gene: LAMA1 (laminin subunit alpha 1; minus strand). Cytogenetic location: 18p11.31.
Variant type: single nucleotide variant.
Coding change: c.2248G>A on transcript NM_005559.4 (MANE Select); coding-DNA position 2248, G replaced by A.
Protein change: p.Glu750Lys; replaces glutamic acid 750 with lysine.
Molecular consequence: missense variant.
Genome position (GRCh38, 1-based): chr18:7,032,092, C>T on the plus strand (G>A on the coding strand, the complement: LAMA1 is on the minus strand). VCF-style: chr18-7032092-C-T. GRCh37 (hg19) VCF-style: chr18-7032091-C-T.
Other names: short protein forms E750K.
Identifiers: ClinVar variation 1901472 (VCV001901472.5), dbSNP rs2057972322, ClinGen allele CA401828919.